The following is an entry in ClinVar:

NM_000132.4(F8):c.1299T>C (p.Asn433=)

Gene: F8 (coagulation factor VIII; minus strand). Cytogenetic location: Xq28.
Variant type: single nucleotide variant.
Coding change: c.1299T>C on transcript NM_000132.4 (MANE Select); coding-DNA position 1299, T replaced by C.
Protein change: p.Asn433=; no amino-acid change (asparagine 433 retained).
Molecular consequence: synonymous variant.
Genome position (GRCh38, 1-based): chrX:154,966,114, A>G on the plus strand (T>C on the coding strand, the complement: F8 is on the minus strand). VCF-style: chrX-154966114-A-G. GRCh37 (hg19) VCF-style: chrX-154194389-A-G.
Identifiers: ClinVar variation 4994231 (VCV004994231.1).
Genomic context (GRCh38, chrX:154,966,114, plus strand): 5'-TTCATCTGTGTATGCCATAAATCGGACTTTTTTGTACTTCCTACCAATCCGCTGAGGGCC[A>G]TTGTTCAAATATTGACTTTTATAACTTCTGTATAAGAGAAAAAAAGATGAGAGGTTGGGA-3'
Protein context (NP_000123.1, residues 423-443): DRSYKSQYLN[Asn433=]GPQRIGRKYK

ClinVar aggregate classification (germline): Likely benign (1 of 4 stars; one submission).

Conditions:
F8-related disorder. Also called: F8-related condition.

Submission:

PreventionGenetics, part of Exact Sciences
Classification: Likely benign for F8-related condition. Last evaluated: 2026-01-14. Review status: criteria provided, single submitter. Criteria: ACMG Guidelines, 2015. Collection method: clinical testing. Allele origin: germline.
Comment: This variant is classified as likely benign based on ACMG/AMP sequence variant interpretation guidelines (Richards et al. 2015 PMID: 25741868, with internal and published modifications).